The following is an entry in ClinVar:

ClinVar aggregate classification (germline): Uncertain significance (1 of 4 stars; one submission).

Submission:

Ambry Genetics
Classification: Uncertain significance. Last evaluated: 2023-04-11. Review status: criteria provided, single submitter. Criteria: Ambry Variant Classification Scheme 2023. Collection method: clinical testing. Allele origin: germline.
Comment: The p.N409I variant (also known as c.1226A>T), located in coding exon 11 of the A2ML1 gene, results from an A to T substitution at nucleotide position 1226. The asparagine at codon 409 is replaced by isoleucine, an amino acid with dissimilar properties. This amino acid position is conserved. In addition, this alteration is predicted to be tolerated by in silico analysis. Since supporting evidence is limited at this time, the clinical significance of this alteration remains unclear.

NM_144670.6(A2ML1):c.1226A>T (p.Asn409Ile)

Gene: A2ML1 (alpha-2-macroglobulin like 1; plus strand). Cytogenetic location: 12p13.31.
Variant type: single nucleotide variant.
Coding change: c.1226A>T on transcript NM_144670.6 (MANE Select); coding-DNA position 1226, A replaced by T.
Protein change: p.Asn409Ile; replaces asparagine 409 with isoleucine.
Molecular consequence: missense variant.
Genome position (GRCh38, 1-based): chr12:8,841,514, A>T. VCF-style: chr12-8841514-A-T. GRCh37 (hg19) VCF-style: chr12-8994110-A-T.
Other names: short protein forms N409I.
Identifiers: ClinVar variation 2564132 (VCV002564132.2), dbSNP rs920870328, ClinGen allele CA383824765.